The following is an entry in ClinVar:

NM_016507.4(CDK12):c.3844G>A (p.Val1282Ile)

Gene: CDK12 (cyclin dependent kinase 12; plus strand). Cytogenetic location: 17q12.
Variant type: single nucleotide variant.
Coding change: c.3844G>A on transcript NM_016507.4 (MANE Select); coding-DNA position 3844, G replaced by A.
Protein change: p.Val1282Ile; replaces valine 1282 with isoleucine.
Molecular consequence: missense variant.
Genome position (GRCh38, 1-based): chr17:39,530,687, G>A. VCF-style: chr17-39530687-G-A. GRCh37 (hg19) VCF-style: chr17-37686940-G-A.
Other names: c.3817G>A, p.Val1273Ile (NM_015083.4); short protein forms V1282I, V1273I.
Identifiers: ClinVar variation 4224365 (VCV004224365.1).

ClinVar aggregate classification (germline): Uncertain significance (1 of 4 stars; one submission).

gnomAD v4.1: 1 of 1,613,644 alleles (0.000062%); highest among the groups gnomAD compares: Non-Finnish European, 0.000085%; no homozygotes.

Submission:

Ambry Genetics
Classification: Uncertain significance. Last evaluated: 2025-08-09. Review status: criteria provided, single submitter. Criteria: Ambry Variant Classification Scheme 2023. Collection method: clinical testing. Allele origin: germline.
Comment: The p.V1282I variant (also known as c.3844G>A), located in coding exon 14 of the CDK12 gene, results from a G to A substitution at nucleotide position 3844. The valine at codon 1282 is replaced by isoleucine, an amino acid with highly similar properties. This amino acid position is conserved. In addition, this alteration is predicted to be tolerated by in silico analysis. Based on the available evidence, the clinical significance of this variant remains unclear.